The following is an entry in ClinVar:

NM_022336.4(EDAR):c.275A>G (p.Asp92Gly)

Genes: EDAR (ectodysplasin A receptor; minus strand), RANBP2 (RAN binding protein 2; plus strand). Cytogenetic location: 2q13.
Variant type: single nucleotide variant.
Coding change: c.275A>G on transcript NM_022336.4 (MANE Select); coding-DNA position 275, A replaced by G.
Protein change: p.Asp92Gly; replaces aspartic acid 92 with glycine.
Molecular consequence: missense variant.
Genome position (GRCh38, 1-based): chr2:108,929,279, T>C on the plus strand (A>G on the coding strand, the complement: EDAR is on the minus strand). VCF-style: chr2-108929279-T-C. GRCh37 (hg19) VCF-style: chr2-109545735-T-C.
Other names: short protein forms D92G.
Identifiers: ClinVar variation 570266 (VCV000570266.10), dbSNP rs752810615, ClinGen allele CA1825140.

ClinVar aggregate classification (germline): Uncertain significance (1 of 4 stars; one submission).

Conditions:
Autosomal recessive hypohidrotic ectodermal dysplasia syndrome. Also called: Autosomal recessive hypohidrotic ectodermal dysplasia. Identifiers: Orphanet 248, MedGen C0406702, MONDO:0016619.
Ectodermal dysplasia 10A, hypohidrotic/hair/nail type, autosomal dominant (ECTD10A). Also called: Ectodermal Dysplasia 3, Anhidrotic. Identifiers: Orphanet 1810, Orphanet 238468, MedGen C3888065, MONDO:0007509, OMIM 129490.

Allele frequency attached by ClinVar (database versions not stated): ExAC 0.00001.

Submission:

Labcorp Genetics (formerly Invitae), Labcorp
Classification: Uncertain significance for Ectodermal dysplasia 10A, hypohidrotic/hair/nail type, autosomal dominant; Autosomal recessive hypohidrotic ectodermal dysplasia syndrome. Last evaluated: 2018-04-24. Review status: criteria provided, single submitter. Criteria: Invitae Variant Classification Sherloc (09022015). Collection method: clinical testing. Allele origin: germline.
Comment: In summary, the available evidence is currently insufficient to determine the role of this variant in disease. Therefore, it has been classified as a Variant of Uncertain Significance. Algorithms developed to predict the effect of missense changes on protein structure and function do not agree on the potential impact of this missense change (SIFT: "Deleterious"; PolyPhen-2: "Probably Damaging"; Align-GVGD: "Class C0"). This variant has not been reported in the literature in individuals with EDAR-related disease. This variant is present in population databases (rs752810615, ExAC 0.01%). This sequence change replaces aspartic acid with glycine at codon 92 of the EDAR protein (p.Asp92Gly). The aspartic acid residue is highly conserved and there is a moderate physicochemical difference between aspartic acid and glycine.